The following is an entry in ClinVar:

NM_000807.4(GABRA2):c.1003A>C (p.Asn335His)

Gene: GABRA2 (gamma-aminobutyric acid type A receptor subunit alpha2; minus strand). Cytogenetic location: 4p12.
Variant type: single nucleotide variant.
Coding change: c.1003A>C on transcript NM_000807.4 (MANE Select); coding-DNA position 1003, A replaced by C.
Protein change: p.Asn335His; replaces asparagine 335 with histidine.
Molecular consequence: missense variant.
Genome position (GRCh38, 1-based): chr4:46,261,982, T>G on the plus strand (A>C on the coding strand, the complement: GABRA2 is on the minus strand). VCF-style: chr4-46261982-T-G. GRCh37 (hg19) VCF-style: chr4-46263999-T-G.
Other names: c.1003A>C (NM_001114175.2); c.1003A>C, p.Asn335His (NM_001114175.3, NM_001330690.2, NM_001377144.1 and 8 more transcripts); c.838A>C, p.Asn280His (NM_001286827.3, NM_001377152.1, NM_001377153.1 and 1 more transcripts); short protein forms N335H, N280H.
Identifiers: ClinVar variation 617630 (VCV000617630.9), dbSNP rs1560442716, ClinGen allele CA356804232.
Genomic context (GRCh38, chr4:46,261,982, plus strand): 5'-TTACCTTGTCATTTACTACACTCTTCCCATCCCAAGCCCATCCTCTTTTGGTGAAGTAAT[T>G]AACAGTTGCAAATTCAATTAGGGCAGAGAACACAAATGCATAACAAACAGCAATAAACCA-3'
Protein context (NP_000798.2, residues 325-345): FSALIEFATV[Asn335His]YFTKRGWAWD

ClinVar aggregate classification (germline): Uncertain significance. Review status: criteria provided, single submitter (1 of 4 stars). 3 submissions from 3 submitters: Uncertain significance (1). 2 of the submissions do not count toward it. Last evaluated 2022-11-23.

Conditions:
Developmental and epileptic encephalopathy, 78. Also called: EPILEPTIC ENCEPHALOPATHY, EARLY INFANTILE, 78. Identifiers: MedGen C5231409, MONDO:0032812, OMIM 618557.
Developmental and epileptic encephalopathy. Identifiers: MedGen C5779964, MONDO:0100620.

Submissions (3):

Revvity Omics, Revvity
Classification: Uncertain significance for Developmental and epileptic encephalopathy, 78. Last evaluated: 2022-11-23. Review status: criteria provided, single submitter. Criteria: ACMG Guidelines, 2015. Collection method: clinical testing. Allele origin: germline.

OMIM
Classification: Pathogenic for DEVELOPMENTAL AND EPILEPTIC ENCEPHALOPATHY 78. Last evaluated: 2020-11-25. Review status: no assertion criteria provided. Collection method: literature only. Allele origin: germline. Not counted in ClinVar's aggregate classification.

The Raphael Recanati Genetics Institute, Rabin Medical Center
Classification: Uncertain significance for Early infantile epileptic encephalopathy. Last evaluated: 2018-09-13. Review status: no assertion criteria provided. Collection method: clinical testing. Allele origin: de novo. Affected: yes. Observed: 1 variant allele. Not counted in ClinVar's aggregate classification.
Comment: AD de novo

Literature cited by the submitters: PubMed 29422393 (cited by OMIM and The Raphael Recanati Genetics Institute, Rabin Medical Center).